The following is an entry in ClinVar:

NM_000395.3(CSF2RB):c.1748A>G (p.Gln583Arg)

Gene: CSF2RB (colony stimulating factor 2 receptor subunit beta; plus strand). Cytogenetic location: 22q12.3.
Variant type: single nucleotide variant.
Coding change: c.1748A>G on transcript NM_000395.3 (MANE Select); coding-DNA position 1748, A replaced by G.
Protein change: p.Gln583Arg; replaces glutamine 583 with arginine.
Molecular consequence: missense variant.
Genome position (GRCh38, 1-based): chr22:36,937,556, A>G. VCF-style: chr22-36937556-A-G. GRCh37 (hg19) VCF-style: chr22-37333598-A-G.
Other names: short protein forms Q583R.
Identifiers: ClinVar variation 1356136 (VCV001356136.8), dbSNP rs1163095369, ClinGen allele CA411410100.

ClinVar aggregate classification (germline): Uncertain significance (1 of 4 stars; one submission).

Submission:

Labcorp Genetics (formerly Invitae), Labcorp
Classification: Uncertain significance. Last evaluated: 2022-05-08. Review status: criteria provided, single submitter. Criteria: Invitae Variant Classification Sherloc (09022015). Collection method: clinical testing. Allele origin: germline.
Comment: In summary, the available evidence is currently insufficient to determine the role of this variant in disease. Therefore, it has been classified as a Variant of Uncertain Significance. Algorithms developed to predict the effect of missense changes on protein structure and function output the following: SIFT: "Tolerated"; PolyPhen-2: "Benign"; Align-GVGD: "Class C0". The arginine amino acid residue is found in multiple mammalian species, which suggests that this missense change does not adversely affect protein function. This variant has not been reported in the literature in individuals affected with CSF2RB-related conditions. This variant is present in population databases (no rsID available, gnomAD 0.004%). This sequence change replaces glutamine, which is neutral and polar, with arginine, which is basic and polar, at codon 583 of the CSF2RB protein (p.Gln583Arg).